The following is an entry in ClinVar:

ClinVar aggregate classification (germline): Uncertain significance (1 of 4 stars; one submission).

Conditions:
TCF4-related disorder. Also called: TCF4-related condition.

Submission:

PreventionGenetics, part of Exact Sciences
Classification: Uncertain significance for TCF4-related condition. Last evaluated: 2026-05-01. Review status: criteria provided, single submitter. Criteria: ACMG Guidelines, 2015. Collection method: clinical testing. Allele origin: germline.
Comment: The TCF4 c.59C>G variant is predicted to result in the amino acid substitution p.Ser20Cys. To our knowledge, this variant has not been reported in the literature. This variant is absent in a large population database (gnomAD), indicating this variant is rare. At this time, the clinical significance of this variant is uncertain due to the absence of conclusive functional and genetic evidence.

NM_001083962.2(TCF4):c.305-138C>G

Gene: TCF4 (transcription factor 4; minus strand). Cytogenetic location: 18q21.2.
Variant type: single nucleotide variant.
Coding change: c.305-138C>G on transcript NM_001083962.2 (MANE Select); 138 bases into the intron before coding-DNA position 305, C replaced by G.
Molecular consequence: intron variant. On other transcripts: missense variant (2).
Genome position (GRCh38, 1-based): chr18:55,403,656, G>C on the plus strand (C>G on the coding strand, the complement: TCF4 is on the minus strand). VCF-style: chr18-55403656-G-C. GRCh37 (hg19) VCF-style: chr18-53070887-G-C.
Other names: c.59C>G, p.Ser20Cys (NM_001243232.1, NM_001306208.1); c.611-138C>G (NM_001243226.3); c.233-138C>G (NM_001369584.1, NM_001369576.1, NM_001369577.1 and 15 more transcripts); c.305-138C>G (NM_001369571.1, NM_001369567.1, NM_001243228.2 and 8 more transcripts); c.299-138C>G (NM_001243230.2); c.179-138C>G (NM_001243231.2, NM_001348211.2); c.-83-138C>G (NM_001348212.2); c.-86-138C>G (NM_001348213.2, NM_001243233.2); short protein forms S20C.
Identifiers: ClinVar variation 4989928 (VCV004989928.1).
Genomic context (GRCh38, chr18:55,403,656, plus strand): 5'-CTGCTCTTCCCCGATGTTTACATACGTAAAGTAGGCACTACTGGCAATGTATGCAAGCAA[G>C]AGAGGGAATAACACTTCCTCACTCTGGCTATGATAAACTGGAAAAAAATATCCTTCATTC-3'